The following is an entry in ClinVar:

NM_024675.4(PALB2):c.2997-8A>G

Gene: PALB2 (partner and localizer of BRCA2; minus strand). Cytogenetic location: 16p12.2.
Variant type: single nucleotide variant.
Coding change: c.2997-8A>G on transcript NM_024675.4 (MANE Select); 8 bases into the intron before coding-DNA position 2997, A replaced by G.
Molecular consequence: intron variant.
Genome position (GRCh38, 1-based): chr16:23,621,486, T>C on the plus strand (A>G on the coding strand, the complement: PALB2 is on the minus strand). VCF-style: chr16-23621486-T-C. GRCh37 (hg19) VCF-style: chr16-23632807-T-C.
Other names: c.2112-8A>G (NM_001407308.1, NM_001407306.1, NM_001407309.1 and 4 more transcripts); c.531-8A>G (NM_001407314.1); c.1209-8A>G (NM_001407313.1, NM_001407312.1); c.2937-8A>G (NM_001407296.1); c.2925-8A>G (NM_001407297.1); c.2835-8A>G (NM_001407302.1, NM_001407298.1); c.2834+2523A>G (NM_001407300.1); c.2997-8A>G (NM_001407299.1, NM_001407301.1); and 1 more.
Identifiers: ClinVar variation 3903867 (VCV003903867.1).
Genomic context (GRCh38, chr16:23,621,486, plus strand): 5'-CAAAAGTTAGTATAGTCTCCTCAGGGGGCATCAAAAATTGGTTTTCTTTGCCTCTGTAAT[T>C]AAAACAGTATGAAAAGTCAGTACTTTGCACTAAAGCAGTCTCTAGGTAGCCCTTCTCCGC-3'

ClinVar aggregate classification (germline): Likely benign (1 of 4 stars; one submission).

Conditions:
Familial cancer of breast. Also called: Hereditary breast cancer; hereditary breast carcinoma; BREAST CANCER, FAMILIAL. Identifiers: Orphanet 227535, MedGen C0346153, MONDO:0016419, OMIM 114480. Disease mechanism: loss of function.

Submission:

Myriad Genetics, Inc.
Classification: Likely benign for Familial cancer of breast. Last evaluated: 2025-01-21. Review status: criteria provided, single submitter. Criteria: Myriad Autosomal Dominant, Autosomal Recessive and X-Linked Classification Criteria (2023). Collection method: clinical testing. Allele origin: unknown.
Comment: This variant is considered likely benign. This variant is intronic and is not expected to impact mRNA splicing.